The following is an entry in ClinVar:

NM_002907.4(RECQL):c.1609C>T (p.Leu537Phe)

Gene: RECQL (RecQ like helicase; minus strand). Cytogenetic location: 12p12.1.
Variant type: single nucleotide variant.
Coding change: c.1609C>T on transcript NM_002907.4 (MANE Select); coding-DNA position 1609, C replaced by T.
Protein change: p.Leu537Phe; replaces leucine 537 with phenylalanine.
Molecular consequence: missense variant.
Genome position (GRCh38, 1-based): chr12:21,471,486, G>A on the plus strand (C>T on the coding strand, the complement: RECQL is on the minus strand). VCF-style: chr12-21471486-G-A. GRCh37 (hg19) VCF-style: chr12-21624420-G-A.
Other names: c.1609C>T, p.Leu537Phe (NM_032941.3); short protein forms L537F.
Identifiers: ClinVar variation 2136185 (VCV002136185.1), dbSNP rs2540320455, ClinGen allele CA384116051.

ClinVar aggregate classification (germline): Uncertain significance (1 of 4 stars; one submission).

Allele frequency attached by ClinVar (database versions not stated): gnomAD exomes below 0.00001.
gnomAD v4.1: 1 of 1,613,206 alleles (0.000062%); highest among the groups gnomAD compares: Non-Finnish European, 0.000085%; no homozygotes.

Submission:

GeneDx
Classification: Uncertain significance. Last evaluated: 2023-01-23. Review status: criteria provided, single submitter. Criteria: GeneDx Variant Classification Process June 2021. Collection method: clinical testing. Allele origin: germline. Affected: yes.
Comment: Not observed at significant frequency in large population cohorts (gnomAD); In silico analysis supports that this missense variant does not alter protein structure/function; Has not been previously published as pathogenic or benign to our knowledge; This variant is associated with the following publications: (PMID: 27248010, 19151156)